The following is an entry in ClinVar:

ClinVar aggregate classification (germline): Benign. Review status: criteria provided, multiple submitters, no conflicts (2 of 4 stars). 5 submissions from 5 submitters: Benign (4). 1 of the submissions does not count toward it. Last evaluated 2026-02-02.

Conditions:
Microcephalic primordial dwarfism due to ZNF335 deficiency. Also called: Primary autosomal recessive microcephaly 10. Identifiers: Orphanet 329228, MedGen C3554499, MONDO:0014043, OMIM 615095.

Allele frequency attached by ClinVar (database versions not stated): gnomAD 0.20939 and 0.20987; ExAC 0.18392; TOPMed 0.20767; 1000 Genomes Project 30x 0.24922; ESP Exome Variant Server 0.19725; gnomAD exomes 0.18874; 1000 Genomes Project 0.24980.
gnomAD v4.1: 259,911 of 1,514,064 alleles (17%); highest among the groups gnomAD compares: East Asian, 33%; 24,245 homozygotes.

Submissions (5):

Labcorp Genetics (formerly Invitae), Labcorp
Classification: Benign. Last evaluated: 2026-02-02. Review status: criteria provided, single submitter. Criteria: Invitae Variant Classification Sherloc (09022015). Collection method: clinical testing. Allele origin: germline.

Genome-Nilou Lab
Classification: Benign for Microcephalic primordial dwarfism due to ZNF335 deficiency. Last evaluated: 2021-12-05. Review status: criteria provided, single submitter. Criteria: ACMG Guidelines, 2015. Collection method: clinical testing. Allele origin: germline. Affected: no.

GeneDx
Classification: Benign. Last evaluated: 2018-07-26. Review status: criteria provided, single submitter. Criteria: GeneDx Variant Classification Process June 2021. Collection method: clinical testing. Allele origin: germline. Affected: yes.

Breakthrough Genomics
Classification: Benign. Review status: criteria provided, single submitter. Criteria: ACMG Guidelines, 2015. Collection method: not provided. Allele origin: germline. Inheritance: Autosomal recessive inheritance. Affected: yes.

Genetic Services Laboratory, University of Chicago
Classification: Likely benign for AllHighlyPenetrant. Review status: no assertion criteria provided. Collection method: clinical testing. Allele origin: germline. Inheritance: Autosomal recessive inheritance. Not counted in ClinVar's aggregate classification.
Comment: Likely benign based on allele frequency in 1000 Genomes Project or ESP global frequency and its presence in a patient with a rare or unrelated disease phenotype. NOT Sanger confirmed.

NM_022095.4(ZNF335):c.1103-7G>A

Gene: ZNF335 (zinc finger protein 335; minus strand). Cytogenetic location: 20q13.12.
Variant type: single nucleotide variant.
Coding change: c.1103-7G>A on transcript NM_022095.4 (MANE Select); 7 bases into the intron before coding-DNA position 1103, G replaced by A.
Molecular consequence: intron variant.
Genome position (GRCh38, 1-based): chr20:45,963,997, C>T on the plus strand (G>A on the coding strand, the complement: ZNF335 is on the minus strand). VCF-style: chr20-45963997-C-T. GRCh37 (hg19) VCF-style: chr20-44592636-C-T.
Identifiers: ClinVar variation 130791 (VCV000130791.19), dbSNP rs3746512, ClinGen allele CA156077.